The following is an entry in ClinVar:

NM_001080476.3(GRXCR1):c.477T>A (p.Val159=)

Gene: GRXCR1 (glutaredoxin and cysteine rich domain containing 1; plus strand). Cytogenetic location: 4p13.
Variant type: single nucleotide variant.
Coding change: c.477T>A on transcript NM_001080476.3 (MANE Select); coding-DNA position 477, T replaced by A.
Protein change: p.Val159=; no amino-acid change (valine 159 retained).
Molecular consequence: synonymous variant.
Genome position (GRCh38, 1-based): chr4:42,962,984, T>A. VCF-style: chr4-42962984-T-A. GRCh37 (hg19) VCF-style: chr4-42965001-T-A.
Identifiers: ClinVar variation 3030880 (VCV003030880.2), dbSNP rs764474055, ClinGen allele CA2904417.

ClinVar aggregate classification (germline): Likely benign (0 of 4 stars; one submission).

Conditions:
GRXCR1-related disorder. Also called: GRXCR1-related condition.

Allele frequency attached by ClinVar (database versions not stated): ExAC 0.00003; TOPMed 0.00003; gnomAD 0.00005.
gnomAD v4.1: 32 of 1,612,758 alleles (0.002%); highest among the groups gnomAD compares: Non-Finnish European, 0.0026%; no homozygotes.

Submission:

PreventionGenetics, part of Exact Sciences
Classification: Likely benign for GRXCR1-related condition. Last evaluated: 2023-10-30. Review status: no assertion criteria provided. Collection method: clinical testing. Allele origin: germline.
Comment: This variant is classified as likely benign based on ACMG/AMP sequence variant interpretation guidelines (Richards et al. 2015 PMID: 25741868, with internal and published modifications).